The following is an entry in ClinVar:

ClinVar aggregate classification (germline): Conflicting classifications of pathogenicity. Review status: criteria provided, conflicting classifications (1 of 4 stars). 15 submissions from 14 submitters: Uncertain significance (10); Benign (1); Likely benign (3). 1 of the submissions does not count toward it. Last evaluated 2026-01-28.

Conditions:
Breast neoplasm. Also called: Neoplasm of breast; Breast tumor; Neoplasm of the breast; Breast Neoplasms. Identifiers: MedGen C1458155, MeSH D001943, MONDO:0021100, HP:0100013. Disease mechanism: gain of function.
Familial cancer of breast. Also called: BREAST CANCER, FAMILIAL; Hereditary breast cancer; hereditary breast carcinoma. Identifiers: Orphanet 227535, MedGen C0346153, MONDO:0016419, OMIM 114480. Disease mechanism: loss of function.
Breast-ovarian cancer, familial, susceptibility to, 2 (BROVCA2). Also called: BRCA2 Hereditary Breast and Ovarian Cancer. Identifiers: Orphanet 145, MedGen C2675520, MONDO:0012933, OMIM 612555. Disease mechanism: loss of function.
Wilms tumor 1 (WT1). Also called: Wilms tumor, somatic. Identifiers: Orphanet 654, MedGen CN033288, MONDO:0008679, OMIM 194070.
Prostate cancer. Also called: Malignant tumor of prostate. Identifiers: Orphanet 1331, MedGen C0376358, MONDO:0008315, HP:0012125.
Fanconi anemia complementation group D1. Also called: BRCA2-Related Fanconi Anemia. Identifiers: Orphanet 319462, MedGen C1838457, MONDO:0011584, OMIM 605724.
Medulloblastoma (MDB). Also called: Medulloblastoma, somatic; MEDULLOBLASTOMA PREDISPOSITION SYNDROME. Identifiers: Orphanet 616, MedGen C0025149, MeSH D008527, MONDO:0007959, OMIM 155255, HP:0002885.
Pancreatic cancer, susceptibility to, 2. Identifiers: Orphanet 1333, MedGen C3150546, MONDO:0013235, OMIM 613347.
Glioma susceptibility 3 (GLM3). Also called: Glioblastoma 3. Identifiers: Orphanet 182067, Orphanet 360, MedGen C2751641, MONDO:0013093, OMIM 613029.
Hereditary cancer-predisposing syndrome. Also called: Hereditary Cancer Syndrome; Tumor predisposition; Hereditary neoplastic syndrome; Neoplastic Syndromes, Hereditary. Identifiers: Orphanet 140162, MedGen C0027672, MeSH D009386, MONDO:0015356.
Ovarian cancer. Also called: OVARIAN CANCER, SOMATIC. Identifiers: Orphanet 213500, MedGen C1140680, MONDO:0008170, OMIM 167000.
Hereditary breast ovarian cancer syndrome. Also called: Hereditary breast and/or ovarian cancer syndrome; Hereditary breast and ovarian cancer syndrome; Hereditary breast and ovarian cancer syndrome (HBOC); Hereditary breast and ovarian cancer; Breast and ovarian cancer; BRCA1- and BRCA2-Associated Hereditary Breast and Ovarian Cancer. Identifiers: Orphanet 145, MedGen C0677776, MeSH D061325, MONDO:0003582. Disease mechanism: loss of function.

Allele frequency attached by ClinVar (database versions not stated): ExAC 0.00001; gnomAD 0.00001 and 0.00002; gnomAD exomes below 0.00001 and 0.00002; TOPMed 0.00002; 1000 Genomes Project 0.00040; 1000 Genomes Project 30x 0.00031.
gnomAD v4.1: 11 of 1,614,034 alleles (0.00068%); highest among the groups gnomAD compares: East Asian, 0.016%; no homozygotes.

Submissions 1 to 5 of 15:

Labcorp Genetics (formerly Invitae), Labcorp
Classification: Uncertain significance for Hereditary breast ovarian cancer syndrome. Last evaluated: 2026-01-28. Review status: criteria provided, single submitter. Criteria: Invitae Variant Classification Sherloc (09022015). Collection method: clinical testing. Allele origin: germline.
Comment: This sequence change replaces isoleucine, which is neutral and non-polar, with threonine, which is neutral and polar, at codon 729 of the BRCA2 protein (p.Ile729Thr). This variant is present in population databases (rs431825296, gnomAD 0.01%). This missense change has been observed in individual(s) with BRCA2-related conditions (PMID: 27257965, 28222693, 30078507, 30702160, 31248605, 31825140). ClinVar contains an entry for this variant (Variation ID: 96780). Invitae Evidence Modeling of protein sequence and biophysical properties (such as structural, functional, and spatial information, amino acid conservation, physicochemical variation, residue mobility, and thermodynamic stability) indicates that this missense variant is not expected to disrupt BRCA2 protein function with a negative predictive value of 95%. In summary, the available evidence is currently insufficient to determine the role of this variant in disease. Therefore, it has been classified as a Variant of Uncertain Significance.

Color Diagnostics, LLC DBA Color Health
Classification: Likely benign for Hereditary cancer-predisposing syndrome. Last evaluated: 2025-09-04. Review status: criteria provided, single submitter. Criteria: ACMG Guidelines, 2015. Collection method: clinical testing. Allele origin: germline.

Ambry Genetics
Classification: Uncertain significance for Hereditary cancer-predisposing syndrome. Last evaluated: 2025-04-14. Review status: criteria provided, single submitter. Criteria: Ambry Variant Classification Scheme 2023. Collection method: clinical testing. Allele origin: germline.
Comment: The p.I729T variant (also known as c.2186T>C), located in coding exon 10 of the BRCA2 gene, results from a T to C substitution at nucleotide position 2186. The isoleucine at codon 729 is replaced by threonine, an amino acid with similar properties. This alteration has been identified in multiple Asian breast and/or ovarian and colorectal cancer cohorts, but has also been observed in healthy control patients (Zhong X et al. PLoS One, 2016 Jun;11:e0156789; Lai KN et al. BMC Cancer, 2017 02;17:149; Nakagomi H et al. Cancer Sci, 2018 Feb;109:453-461; Bhaskaran SP et al. Int J Cancer, 2019 08;145:962-973; Momozawa Y et al. Nat Commun, 2018 10;9:4083; Xu Y et al. Front Oncol, 2020 Sep;10:1603; Ha HI et al. J Gynecol Oncol, 2020 Nov;31:e83; Fujita M et al. Clin Gastroenterol Hepatol, 2020 Dec). This alteration was also detected in 5/11,386 Chinese Han individuals over 19 years of age without history of cancer (Dong H et al. J Med Genet, 2021 Aug;58:565-569). This amino acid position is not well conserved in available vertebrate species. In addition, this alteration is predicted to be tolerated by in silico analysis. Based on the available evidence, the clinical significance of this variant remains unclear.

Quest Diagnostics Nichols Institute San Juan Capistrano
Classification: Uncertain significance. Last evaluated: 2025-02-10. Review status: criteria provided, single submitter. Criteria: Quest Diagnostics criteria. Collection method: clinical testing. Allele origin: unknown.
Comment: The BRCA2 c.2186T>C (p.Ile729Thr) variant has been reported in the published literature in individuals with breast cancer (PMIDs: 35864222 (2022), 29215753 (2018), 27257965 (2016)), colorectal cancer (PMIDs: 33078592 (2020), 32984025 (2020), 33309985 (2020)), prostate and pancreatic cancer (PMIDs: 38566028 (2024), 31248605 (2019)). This variant has also been identified in reportedly healthy individuals (PMIDs: 38566028 (2024), 36243179 (2022), 33471991 (2021), 32467295 (2020), 33309985 (2020)). In several case-control studies, this variant was observed in additional individuals with breast cancer and in reportedly healthy individuals (PMIDs: 28222693 (2017), 30287823 (2018), 33471991 (2021), see LOVD). This variant is described to be located in a region of the BRCA2 gene that is tolerant to missense sequence changes (PMID: 31911673 (2020)), and shown to have near wildtype level of homology-directed DNA repair activity in a cell line-based functional study (PMID: 37731132 (2023)). In an individual with ovarian cancer, this variant co-occurred with a deleterious variant in the BRCA1 gene, suggesting this variant may not be the primary cause of disease (PMID: 38509102 (2024)). The frequency of this variant in the general population (Genome Aggregation Database) is uninformative in the assessment of its pathogenicity. Analysis of this variant using bioinformatics tools for the prediction of the effect of amino acid changes on protein structure and function yielded predictions that this variant is benign. Based on the available information, we are unable to determine the clinical significance of this variant.

Women's Health and Genetics/Laboratory Corporation of America, LabCorp
Classification: Uncertain significance. Last evaluated: 2023-09-29. Review status: criteria provided, single submitter. Criteria: LabCorp Variant Classification Summary - May 2015. Collection method: clinical testing. Allele origin: germline.
Comment: Variant summary: BRCA2 c.2186T>C (p.Ile729Thr) results in a non-conservative amino acid change in the encoded protein sequence. Four of five in-silico tools predict a benign effect of the variant on protein function. The variant allele was found at a frequency of 1.6e-05 in 251228 control chromosomes (gnomAD). The available data on variant occurrences in the general population are insufficient to allow any conclusion about variant significance. c.2186T>C has been reported in the literature in individuals affected with Hereditary Breast And Ovarian Cancer Syndrome (example Xu_2020, Wei_2019, Zhong_2016, Dorling_2021) as well as multiple healthy control individuals (Li_2018, Lai_2017, Dorling_2021). These reports do not provide unequivocal conclusions about association of the variant with Hereditary Breast And Ovarian Cancer Syndrome. To our knowledge, no experimental evidence demonstrating an impact on protein function has been reported. The following publications have been ascertained in the context of this evaluation (PMID: 27257965, 30078507, 28222693, 31248605, 32984025, 33471991). 11 submitters have cited clinical-significance assessments for this variant to ClinVar after 2014, and classified it as uncertain significance (n=8) or benign/likely benign (n=3). Based on the evidence outlined above, the variant was classified as uncertain significance.

NM_000059.4(BRCA2):c.2186T>C (p.Ile729Thr)

Gene: BRCA2 (BRCA2 DNA repair associated; plus strand). Cytogenetic location: 13q13.1.
Variant type: single nucleotide variant.
Coding change: c.2186T>C on transcript NM_000059.4 (MANE Select); coding-DNA position 2186, T replaced by C.
Protein change: p.Ile729Thr; replaces isoleucine 729 with threonine.
Molecular consequence: missense variant.
Genome position (GRCh38, 1-based): chr13:32,336,541, T>C. VCF-style: chr13-32336541-T-C. GRCh37 (hg19) VCF-style: chr13-32910678-T-C.
Other names: 2414T>C; short protein forms I729T.
Identifiers: ClinVar variation 96780 (VCV000096780.35), dbSNP rs431825296, ClinGen allele CA014563.